The following is an entry in ClinVar:

NM_203446.3(SYNJ1):c.58C>T (p.Leu20Phe)

Gene: SYNJ1 (synaptojanin 1; minus strand). Cytogenetic location: 21q22.11.
Variant type: single nucleotide variant.
Coding change: c.58C>T on transcript NM_203446.3 (MANE Select); coding-DNA position 58, C replaced by T.
Protein change: p.Leu20Phe; replaces leucine 20 with phenylalanine.
Molecular consequence: missense variant.
Genome position (GRCh38, 1-based): chr21:32,726,838, G>A on the plus strand (C>T on the coding strand, the complement: SYNJ1 is on the minus strand). VCF-style: chr21-32726838-G-A. GRCh37 (hg19) VCF-style: chr21-34099149-G-A.
Other names: c.58C>T, p.Leu20Phe (NM_001160302.2, NM_001160306.2); c.175C>T, p.Leu59Phe (NM_003895.4); short protein forms L20F, L59F.
Identifiers: ClinVar variation 1716188 (VCV001716188.6), dbSNP rs2517069088, ClinGen allele CA410078221.
Genomic context (GRCh38, chr21:32,726,838, plus strand): 5'-CAGCGACAGCCCCAGACTCGAACATGAGACATTCTTCCTTATGCCTAGTTTCCACTATGA[G>A]GCTGAAAGGTGGGGGATCCAATTTGTGATAGATCCGGAATCCTTTACTGAACGCCATTCT-3'
Protein context (NP_982271.3, residues 10-30): YHKLDPPPFS[Leu20Phe]IVETRHKEEC

ClinVar aggregate classification (germline): Uncertain significance (1 of 4 stars; one submission).

Conditions:
Early-onset Parkinson disease 20. Also called: PARKINSON DISEASE 20, AUTOSOMAL RECESSIVE EARLY-ONSET. Identifiers: Orphanet 391411, MedGen C3809824, MONDO:0014233, OMIM 615530.
Developmental and epileptic encephalopathy, 53. Also called: Epileptic encephalopathy, early infantile, 53. Identifiers: MedGen C4479313, MONDO:0033362, OMIM 617389.

Submission:

Labcorp Genetics (formerly Invitae), Labcorp
Classification: Uncertain significance for Developmental and epileptic encephalopathy, 53; Early-onset Parkinson disease 20. Last evaluated: 2022-08-12. Review status: criteria provided, single submitter. Criteria: Invitae Variant Classification Sherloc (09022015). Collection method: clinical testing. Allele origin: germline.
Comment: This sequence change replaces leucine, which is neutral and non-polar, with phenylalanine, which is neutral and non-polar, at codon 59 of the SYNJ1 protein (p.Leu59Phe). This variant is not present in population databases (gnomAD no frequency). This variant has not been reported in the literature in individuals affected with SYNJ1-related conditions. Algorithms developed to predict the effect of missense changes on protein structure and function are either unavailable or do not agree on the potential impact of this missense change (SIFT: "Deleterious"; PolyPhen-2: "Possibly Damaging"; Align-GVGD: "Class C0"). In summary, the available evidence is currently insufficient to determine the role of this variant in disease. Therefore, it has been classified as a Variant of Uncertain Significance.